The following is an entry in ClinVar:

ClinVar aggregate classification (germline): Uncertain significance (1 of 4 stars; one submission).

gnomAD v4.1: 23 of 1,614,022 alleles (0.0014%); highest among the groups gnomAD compares: Non-Finnish European, 0.0019%; no homozygotes.

Submission:

Labcorp Genetics (formerly Invitae), Labcorp
Classification: Uncertain significance. Last evaluated: 2026-01-19. Review status: criteria provided, single submitter. Criteria: Invitae Variant Classification Sherloc (09022015). Collection method: clinical testing. Allele origin: germline.
Comment: This sequence change replaces serine, which is neutral and polar, with proline, which is neutral and non-polar, at codon 313 of the KIAA0556 protein (p.Ser313Pro). This variant is present in population databases (rs777375540, gnomAD 0.002%). This variant has not been reported in the literature in individuals affected with KIAA0556-related conditions. An algorithm developed to predict the effect of missense changes on protein structure and function (PolyPhen-2) suggests that this variant is likely to be disruptive. In summary, the available evidence is currently insufficient to determine the role of this variant in disease. Therefore, it has been classified as a Variant of Uncertain Significance.

NM_015202.5(KATNIP):c.937T>C (p.Ser313Pro)

Gene: KATNIP (katanin interacting protein; plus strand). Cytogenetic location: 16p12.1.
Variant type: single nucleotide variant.
Coding change: c.937T>C on transcript NM_015202.5 (MANE Select); coding-DNA position 937, T replaced by C.
Protein change: p.Ser313Pro; replaces serine 313 with proline.
Molecular consequence: missense variant.
Genome position (GRCh38, 1-based): chr16:27,681,527, T>C. VCF-style: chr16-27681527-T-C. GRCh37 (hg19) VCF-style: chr16-27692848-T-C.
Other names: short protein forms S313P.
Identifiers: ClinVar variation 4699592 (VCV004699592.1).
Genomic context (GRCh38, chr16:27,681,527, plus strand): 5'-CCTGAGCCAAACCTGACTCCCCAAGCTCCTGCTGTATTCCCAGACCAGGAGAGGATGTGC[T>C]CCAGTAAGAGTTCCGGGGGCCCCTGAGCAGGGGAGCAGGGCTGCGACTGGGTCACTCTCT-3'
Protein context (NP_056017.4, residues 303-323): AVFPDQERMC[Ser313Pro]RPGSRRERPL